The following is an entry in ClinVar:

ClinVar aggregate classification (germline): Likely benign. Review status: criteria provided, multiple submitters, no conflicts (2 of 4 stars). 2 submissions from 2 submitters: Likely benign (2). Last evaluated 2025-12-16.

Conditions:
SERPINA1-related disorder. Also called: SERPINA1-related condition; SerpinA1-related disorders.
Alpha-1-antitrypsin deficiency (A1ATD). Also called: AAT deficiency; A1AT deficiency; Alpha1-Antitrypsin Deficiency. Identifiers: Orphanet 60, MedGen C0221757, MONDO:0013282, OMIM 613490.

Allele frequency attached by ClinVar (database versions not stated): gnomAD exomes 0.00003 and 0.00008; TOPMed 0.00005; gnomAD 0.00006; ExAC 0.00009; ESP Exome Variant Server 0.00015.
gnomAD v4.1: 63 of 1,612,980 alleles (0.0039%); highest among the groups gnomAD compares: Non-Finnish European, 0.00093%; no homozygotes.

Submissions (2):

Labcorp Genetics (formerly Invitae), Labcorp
Classification: Likely benign for Alpha-1-antitrypsin deficiency. Last evaluated: 2025-12-16. Review status: criteria provided, single submitter. Criteria: Invitae Variant Classification Sherloc (09022015). Collection method: clinical testing. Allele origin: germline.

PreventionGenetics, part of Exact Sciences
Classification: Likely benign for SERPINA1-related condition. Last evaluated: 2024-10-16. Review status: criteria provided, single submitter. Criteria: ACMG Guidelines, 2015. Collection method: clinical testing. Allele origin: germline.
Comment: This variant is classified as likely benign based on ACMG/AMP sequence variant interpretation guidelines (Richards et al. 2015 PMID: 25741868, with internal and published modifications).

NM_000295.5(SERPINA1):c.201C>G (p.His67Gln)

Gene: SERPINA1 (serpin family A member 1; minus strand). Cytogenetic location: 14q32.13.
Variant type: single nucleotide variant.
Coding change: c.201C>G on transcript NM_000295.5 (MANE Select); coding-DNA position 201, C replaced by G.
Protein change: p.His67Gln; replaces histidine 67 with glutamine.
Molecular consequence: missense variant.
Genome position (GRCh38, 1-based): chr14:94,383,037, G>C on the plus strand (C>G on the coding strand, the complement: SERPINA1 is on the minus strand). VCF-style: chr14-94383037-G-C. GRCh37 (hg19) VCF-style: chr14-94849374-G-C.
Other names: c.201C>G, p.His67Gln (NM_001002235.3, NM_001002236.3, NM_001127700.2 and 7 more transcripts); c.201C>G (NM_000295.4); short protein forms H67Q.
Identifiers: ClinVar variation 1630310 (VCV001630310.9), dbSNP rs140744031, ClinGen allele CA7327527.
Genomic context (GRCh38, chr14:94,383,037, plus strand): 5'-CATTGCAAAGGCTGTAGCGATGCTCACTGGGGAGAAGAAGATATTGGTGCTGTTGGACTG[G>C]TGTGCCAGCTGGCGGTATAGGCTGAAGGCGAACTCAGCCAGGTTGGGGGTGATCTTGTTG-3'
Protein context (NP_000286.3, residues 57-77): FAFSLYRQLA[His67Gln]QSNSTNIFFS